The following is an entry in ClinVar:

NM_000455.5(STK11):c.1087A>C (p.Thr363Pro)

Genes: STK11 (serine/threonine kinase 11; plus strand), LOC130062899 (ATAC-STARR-seq lymphoblastoid active region 13597; plus strand). Cytogenetic location: 19p13.3.
Variant type: single nucleotide variant.
Coding change: c.1087A>C on transcript NM_000455.5 (MANE Select); coding-DNA position 1087, A replaced by C.
Protein change: p.Thr363Pro; replaces threonine 363 with proline.
Molecular consequence: missense variant.
Genome position (GRCh38, 1-based): chr19:1,223,151, A>C. VCF-style: chr19-1223151-A-C. GRCh37 (hg19) VCF-style: chr19-1223150-A-C.
Other names: short protein forms T363P.
Identifiers: ClinVar variation 1481350 (VCV001481350.6), dbSNP rs764458789, ClinGen allele CA402951931.

ClinVar aggregate classification (germline): Uncertain significance (1 of 4 stars; one submission).

Conditions:
Peutz-Jeghers syndrome (PJS). Also called: Peutz-Jeghers polyposis; Periorificial lentiginosis syndrome; POLYPOSIS, HAMARTOMATOUS INTESTINAL; POLYPS-AND-SPOTS SYNDROME. Identifiers: Orphanet 2869, MedGen C0031269, MeSH D010580, MONDO:0008280, OMIM 175200.

Submission:

Labcorp Genetics (formerly Invitae), Labcorp
Classification: Uncertain significance for Peutz-Jeghers syndrome. Last evaluated: 2026-01-26. Review status: criteria provided, single submitter. Criteria: Invitae Variant Classification Sherloc (09022015). Collection method: clinical testing. Allele origin: germline.
Comment: This sequence change replaces threonine, which is neutral and polar, with proline, which is neutral and non-polar, at codon 363 of the STK11 protein (p.Thr363Pro). This variant is not present in population databases (gnomAD no frequency). This variant has not been reported in the literature in individuals affected with STK11-related conditions. ClinVar contains an entry for this variant (Variation ID: 1481350). Invitae Evidence Modeling of protein sequence and biophysical properties (such as structural, functional, and spatial information, amino acid conservation, physicochemical variation, residue mobility, and thermodynamic stability) has been performed for this missense variant. However, the output from this modeling did not meet the statistical confidence thresholds required to predict the impact of this variant on STK11 protein function. In summary, the available evidence is currently insufficient to determine the role of this variant in disease. Therefore, it has been classified as a Variant of Uncertain Significance.